The following is an entry in ClinVar:

NM_023036.6(DNAI2):c.823A>T (p.Lys275Ter)

Gene: DNAI2 (dynein axonemal intermediate chain 2; plus strand). Cytogenetic location: 17q25.1.
Variant type: single nucleotide variant.
Coding change: c.823A>T on transcript NM_023036.6 (MANE Select); coding-DNA position 823, A replaced by T.
Protein change: p.Lys275Ter; replaces lysine 275 with a stop codon.
Molecular consequence: nonsense. On other transcripts: non-coding transcript variant (1).
Genome position (GRCh38, 1-based): chr17:74,299,816, A>T. VCF-style: chr17-74299816-A-T. GRCh37 (hg19) VCF-style: chr17-72295955-A-T.
Other names: c.823A>T, p.Lys275Ter (NM_001172810.3, NM_001353167.2); short protein forms K275*.
Identifiers: ClinVar variation 2050294 (VCV002050294.4), dbSNP rs2509734575, ClinGen allele CA400908729.
Genomic context (GRCh38, chr17:74,299,816, plus strand): 5'-CTATCCACCATTGAGTCCAGCCACCGAGACCCTGTGTATGGCACCATCTGGCTGCAGTCG[A>T]AGACGGGCACCGAGTGCTTCTCAGCTTCCACGGATGGGCAGGTACCCACCAGCCAGACAC-3'

ClinVar aggregate classification (germline): Pathogenic (1 of 4 stars; one submission).

Conditions:
Primary ciliary dyskinesia. Also called: Ciliary dyskinesia. Identifiers: Orphanet 244, MedGen C0008780, MONDO:0016575, HP:0012265.

Allele frequency attached by ClinVar (database versions not stated): gnomAD exomes below 0.00001.
gnomAD v4.1: 1 of 1,613,358 alleles (0.000062%); highest among the groups gnomAD compares: Non-Finnish European, 0.000085%; no homozygotes.

Submission:

Labcorp Genetics (formerly Invitae), Labcorp
Classification: Pathogenic for Primary ciliary dyskinesia. Last evaluated: 2022-01-27. Review status: criteria provided, single submitter. Criteria: Invitae Variant Classification Sherloc (09022015). Collection method: clinical testing. Allele origin: germline.
Comment: This variant has not been reported in the literature in individuals affected with DNAI2-related conditions. For these reasons, this variant has been classified as Pathogenic. This variant is not present in population databases (gnomAD no frequency). This sequence change creates a premature translational stop signal (p.Lys275*) in the DNAI2 gene. It is expected to result in an absent or disrupted protein product. Loss-of-function variants in DNAI2 are known to be pathogenic (PMID: 18950741, 23891469).

Literature cited by the submitters: PubMed 18950741; PubMed 23891469.